The following is an entry in ClinVar:

ClinVar aggregate classification (germline): Uncertain significance (1 of 4 stars; one submission).

Allele frequency attached by ClinVar (database versions not stated): gnomAD exomes 0.00001 and 0.00004; ExAC 0.00002; TOPMed 0.00002; gnomAD 0.00003; ESP Exome Variant Server 0.00008.

Submission:

Women's Health and Genetics/Laboratory Corporation of America, LabCorp
Classification: Uncertain significance. Last evaluated: 2024-08-28. Review status: criteria provided, single submitter. Criteria: LabCorp Variant Classification Summary - May 2015. Collection method: clinical testing. Allele origin: germline.
Comment: Variant summary: NDUFV1 c.331A>G (p.Lys111Glu) results in a conservative amino acid change located in the NADH-ubiquinone oxidoreductase 51kDa subunit, FMN-binding domain (IPR011538) of the encoded protein sequence. Four of five in-silico tools predict a damaging effect of the variant on protein function. The variant allele was found at a frequency of 1.2e-05 in 249542 control chromosomes. The available data on variant occurrences in the general population are insufficient to allow any conclusion about variant significance. c.331A>G has been reported in the literature in the presumed compound heterozygous state in at least 1 individual affected with clinical features of mitochondrial complex I deficiency/Leigh Syndrome (example, Calvo_2010, Swalwell_2011). These data do not allow any conclusion about variant significance. One publication reports experimental evidence evaluating an impact on protein function, however, does not allow convincing conclusions about the variant effect. The following publications have been ascertained in the context of this evaluation (PMID: 20818383, 29976978, 21364701, 26345448). ClinVar contains an entry for this variant (Variation ID: 1301364). Based on the evidence outlined above, the variant was classified as uncertain significance.

Literature cited by the submitters: PubMed 20818383; PubMed 29976978; PubMed 21364701; PubMed 26345448.

NM_007103.4(NDUFV1):c.331A>G (p.Lys111Glu)

Gene: NDUFV1 (NADH:ubiquinone oxidoreductase core subunit V1; plus strand). Cytogenetic location: 11q13.2.
Variant type: single nucleotide variant.
Coding change: c.331A>G on transcript NM_007103.4 (MANE Select); coding-DNA position 331, A replaced by G.
Protein change: p.Lys111Glu; replaces lysine 111 with glutamic acid.
Molecular consequence: missense variant.
Genome position (GRCh38, 1-based): chr11:67,609,456, A>G. VCF-style: chr11-67609456-A-G. GRCh37 (hg19) VCF-style: chr11-67376927-A-G.
Other names: c.304A>G, p.Lys102Glu (NM_001166102.2); short protein forms K102E, K111E.
Identifiers: ClinVar variation 1301364 (VCV001301364.2), dbSNP rs369089940, ClinGen allele CA6143149.